The following is an entry in ClinVar:

ClinVar aggregate classification (germline): Benign/Likely benign. Review status: criteria provided, multiple submitters, no conflicts (2 of 4 stars). 3 submissions from 3 submitters: Benign (1); Likely benign (2). Last evaluated 2026-01-13.

Conditions:
Hereditary cancer-predisposing syndrome. Also called: Tumor predisposition; Hereditary neoplastic syndrome; Neoplastic Syndromes, Hereditary; Hereditary Cancer Syndrome. Identifiers: Orphanet 140162, MedGen C0027672, MeSH D009386, MONDO:0015356.
Tuberous sclerosis 2 (TSC2). Identifiers: Orphanet 805, MedGen C1860707, MONDO:0013199, OMIM 613254.

Allele frequency attached by ClinVar (database versions not stated): gnomAD exomes below 0.00001; ExAC 0.00001.

Submissions (3):

Labcorp Genetics (formerly Invitae), Labcorp
Classification: Likely benign for Tuberous sclerosis 2. Last evaluated: 2026-01-13. Review status: criteria provided, single submitter. Criteria: Invitae Variant Classification Sherloc (09022015). Collection method: clinical testing. Allele origin: germline.

Myriad Genetics, Inc.
Classification: Benign for Tuberous sclerosis 2. Last evaluated: 2025-05-27. Review status: criteria provided, single submitter. Criteria: Myriad Autosomal Dominant, Autosomal Recessive and X-Linked Classification Criteria (2023). Collection method: clinical testing. Allele origin: unknown.
Comment: This variant is considered benign. This variant is a silent/synonymous amino acid change and it is not expected to impact splicing.

Ambry Genetics
Classification: Likely benign for Hereditary cancer-predisposing syndrome. Last evaluated: 2024-09-21. Review status: criteria provided, single submitter. Criteria: Ambry Variant Classification Scheme 2023. Collection method: clinical testing. Allele origin: germline.

NM_000548.5(TSC2):c.2835G>A (p.Lys945=)

Gene: TSC2 (TSC complex subunit 2; plus strand). Cytogenetic location: 16p13.3.
Variant type: single nucleotide variant.
Coding change: c.2835G>A on transcript NM_000548.5 (MANE Select); coding-DNA position 2835, G replaced by A.
Protein change: p.Lys945=; no amino-acid change (lysine 945 retained).
Molecular consequence: synonymous variant.
Genome position (GRCh38, 1-based): chr16:2,076,583, G>A. VCF-style: chr16-2076583-G-A. GRCh37 (hg19) VCF-style: chr16-2126584-G-A.
Other names: c.2835G>A (NM_000548.3); c.2835G>A, p.Lys945= (NM_001077183.3, NM_001114382.3, NM_001363528.2 and 3 more transcripts); c.2724G>A, p.Lys908= (NM_001318827.2); c.2688G>A, p.Lys896= (NM_001318829.2); c.2235G>A, p.Lys745= (NM_001318831.2); c.2868G>A, p.Lys956= (NM_001318832.2).
Identifiers: ClinVar variation 1639581 (VCV001639581.10), dbSNP rs780292534, ClinGen allele CA042097.
Genomic context (GRCh38, chr16:2,076,583, plus strand): 5'-TGACACCCCCGAGAAGGACAGCTTCAGGGCCCGGAGTACTAGTCTCAACGAGAGACCCAA[G>A]AGGTACGGCCTGCGGGGGTGTGCCTGGAGTCGGTGTGGGGTGGGGAAGGACATGGGGCTG-3'
Protein context (NP_000539.2, residues 935-955): ARSTSLNERP[Lys945=]SLRIARPPKQ